The following is an entry in ClinVar:

NM_002906.4(RDX):c.513_514del (p.Arg171fs)

Gene: RDX (radixin; minus strand). Cytogenetic location: 11q22.3.
Variant type: Deletion.
Coding change: c.513_514del on transcript NM_002906.4 (MANE Select); coding-DNA positions 513 to 514, 2 bases deleted (AA; older notation c.513_514delAA).
Protein change: p.Arg171fs; shifts the reading frame from arginine 171.
Molecular consequence: frameshift variant. On other transcripts: intron variant (2).
Genome position (GRCh38, 1-based): chr11:110,258,143-110,258,144, TT deleted on the plus strand (AA on the coding strand, the reverse complement: RDX is on the minus strand). VCF-style (leftmost placement, unchanged base first): chr11-110258142-ATT-A. GRCh37 (hg19) VCF-style: chr11-110128867-ATT-A.
Other names: NM_001260493.1:c.513_514delAA; c.513_514del, p.Arg171fs (NM_001260492.2, NM_001260493.2); c.105_106del, p.Arg35fs (NM_001260494.2); c.-82-10311_-82-10310del (NM_001260495.2); c.404+13_404+14del (NM_001260496.2); short protein forms R171fs, R35fs.
Identifiers: ClinVar variation 1334117 (VCV001334117.2), dbSNP rs2134364635, ClinGen allele CA2573053425.

ClinVar aggregate classification (germline): Likely pathogenic (1 of 4 stars; one submission).

Conditions:
Autosomal recessive nonsyndromic hearing loss 24. Identifiers: Orphanet 90636, MedGen C1970239, MONDO:0012602, OMIM 611022.

Submission:

King Laboratory, University of Washington
Classification: Likely pathogenic for Autosomal recessive nonsyndromic hearing loss 24. Last evaluated: 2020-08-01. Review status: criteria provided, single submitter. Criteria: Abu Rayyan A et al. (Proc Natl Acad Sci U S A 2020). Collection method: research. Allele origin: germline. Affected: yes.
Comment: RDX c.513_514delAA leads to a premature stop at radixin codon 176. The variant occurs in a region present in the major RDX transcripts. The variant does not map to any of the RDX pseudogenes. It is absent from 1300 Palestinian controls and present in 1 heterozygote on gnomAD v2.1.1.